The following is an entry in ClinVar:

NM_139319.3(SLC17A8):c.443G>C (p.Gly148Ala)

Gene: SLC17A8 (solute carrier family 17 member 8; plus strand). Cytogenetic location: 12q23.1.
Variant type: single nucleotide variant.
Coding change: c.443G>C on transcript NM_139319.3 (MANE Select); coding-DNA position 443, G replaced by C.
Protein change: p.Gly148Ala; replaces glycine 148 with alanine.
Molecular consequence: missense variant.
Genome position (GRCh38, 1-based): chr12:100,391,089, G>C. VCF-style: chr12-100391089-G-C. GRCh37 (hg19) VCF-style: chr12-100784867-G-C.
Other names: c.443G>C, p.Gly148Ala (NM_001145288.2); short protein forms G148A.
Identifiers: ClinVar variation 2017261 (VCV002017261.4), dbSNP rs1952712594, ClinGen allele CA386215578.

ClinVar aggregate classification (germline): Uncertain significance (1 of 4 stars; one submission).

Submission:

Labcorp Genetics (formerly Invitae), Labcorp
Classification: Uncertain significance. Last evaluated: 2022-07-15. Review status: criteria provided, single submitter. Criteria: Invitae Variant Classification Sherloc (09022015). Collection method: clinical testing. Allele origin: germline.
Comment: This sequence change replaces glycine, which is neutral and non-polar, with alanine, which is neutral and non-polar, at codon 148 of the SLC17A8 protein (p.Gly148Ala). This variant is not present in population databases (gnomAD no frequency). This variant has not been reported in the literature in individuals affected with SLC17A8-related conditions. Algorithms developed to predict the effect of missense changes on protein structure and function are either unavailable or do not agree on the potential impact of this missense change (SIFT: "Deleterious"; PolyPhen-2: "Benign"; Align-GVGD: "Class C55"). In summary, the available evidence is currently insufficient to determine the role of this variant in disease. Therefore, it has been classified as a Variant of Uncertain Significance.